The following is an entry in ClinVar:

NM_002546.4(TNFRSF11B):c.1166T>G (p.Ile389Arg)

Gene: TNFRSF11B (TNF receptor superfamily member 11b; minus strand). Cytogenetic location: 8q24.12.
Variant type: single nucleotide variant.
Coding change: c.1166T>G on transcript NM_002546.4 (MANE Select); coding-DNA position 1166, T replaced by G.
Protein change: p.Ile389Arg; replaces isoleucine 389 with arginine.
Molecular consequence: missense variant.
Genome position (GRCh38, 1-based): chr8:118,924,414, A>C on the plus strand (T>G on the coding strand, the complement: TNFRSF11B is on the minus strand). VCF-style: chr8-118924414-A-C. GRCh37 (hg19) VCF-style: chr8-119936653-A-C.
Other names: short protein forms I389R.
Identifiers: ClinVar variation 3623691 (VCV003623691.2).

ClinVar aggregate classification (germline): Uncertain significance (1 of 4 stars; one submission).

gnomAD v4.1: 1 of 1,614,138 alleles (0.000062%); highest among the groups gnomAD compares: South Asian, 0.0011%; no homozygotes.

Submission:

Labcorp Genetics (formerly Invitae), Labcorp
Classification: Uncertain significance. Last evaluated: 2024-12-20. Review status: criteria provided, single submitter. Criteria: Invitae Variant Classification Sherloc (09022015). Collection method: clinical testing. Allele origin: germline.
Comment: This sequence change replaces isoleucine, which is neutral and non-polar, with arginine, which is basic and polar, at codon 389 of the TNFRSF11B protein (p.Ile389Arg). This variant is present in population databases (no rsID available, gnomAD 0.003%). This variant has not been reported in the literature in individuals affected with TNFRSF11B-related conditions. An algorithm developed to predict the effect of missense changes on protein structure and function (PolyPhen-2) suggests that this variant is likely to be tolerated. In summary, the available evidence is currently insufficient to determine the role of this variant in disease. Therefore, it has been classified as a Variant of Uncertain Significance.